The following is an entry in ClinVar:

ClinVar aggregate classification (germline): Uncertain significance (1 of 4 stars; one submission).

Conditions:
Epileptic encephalopathy. Identifiers: MedGen C0543888, HP:0200134.

Allele frequency attached by ClinVar (database versions not stated): gnomAD exomes 0.00009 and 0.00014; gnomAD 0.00010 and 0.00011; TOPMed 0.00023.
gnomAD v4.1: 138 of 1,552,996 alleles (0.0089%); highest among the groups gnomAD compares: Admixed American, 0.043%; no homozygotes.

Submission:

Labcorp Genetics (formerly Invitae), Labcorp
Classification: Uncertain significance for Epileptic encephalopathy. Last evaluated: 2022-08-22. Review status: criteria provided, single submitter. Criteria: Invitae Variant Classification Sherloc (09022015). Collection method: clinical testing. Allele origin: germline.
Comment: This sequence change replaces arginine, which is basic and polar, with histidine, which is basic and polar, at codon 3776 of the RYR3 protein (p.Arg3776His). This variant is present in population databases (rs773752097, gnomAD 0.05%). This variant has not been reported in the literature in individuals affected with RYR3-related conditions. ClinVar contains an entry for this variant (Variation ID: 461840). Algorithms developed to predict the effect of missense changes on protein structure and function are either unavailable or do not agree on the potential impact of this missense change (SIFT: "Deleterious"; PolyPhen-2: "Probably Damaging"; Align-GVGD: "Class C0"). In summary, the available evidence is currently insufficient to determine the role of this variant in disease. Therefore, it has been classified as a Variant of Uncertain Significance.

NM_001036.6(RYR3):c.11327G>A (p.Arg3776His)

Gene: RYR3 (ryanodine receptor 3; plus strand). Cytogenetic location: 15q14.
Variant type: single nucleotide variant.
Coding change: c.11327G>A on transcript NM_001036.6 (MANE Select); coding-DNA position 11327, G replaced by A.
Protein change: p.Arg3776His; replaces arginine 3776 with histidine.
Molecular consequence: missense variant.
Genome position (GRCh38, 1-based): chr15:33,827,280, G>A. VCF-style: chr15-33827280-G-A. GRCh37 (hg19) VCF-style: chr15-34119481-G-A.
Other names: c.11312G>A, p.Arg3771His (NM_001243996.4); short protein forms R3776H, R3771H.
Identifiers: ClinVar variation 461840 (VCV000461840.8), dbSNP rs773752097, ClinGen allele CA268581629.
Genomic context (GRCh38, chr15:33,827,280, plus strand): 5'-CTCAGATGGGCAACACCACCACCGTGAATGTCATCATCAGCACTGTGGACTACCTTCTGC[G>A]TCTGCAGGTGAGTGGGAGGGCCTTGGACAATGGGACCTCTCACCTTTGCTTCCAGAAGAT-3'
Protein context (NP_001027.3, residues 3766-3786): VIISTVDYLL[Arg3776His]LQESISDFYW